The following is an entry in ClinVar:

ClinVar aggregate classification (germline): Pathogenic. Review status: criteria provided, multiple submitters, no conflicts (2 of 4 stars). 10 submissions from 10 submitters: Pathogenic (9). 1 of the submissions does not count toward it. Last evaluated 2026-01-27.

Conditions:
Warts, hypogammaglobulinemia, infections, and myelokathexis. Also called: WHIM syndrome. Identifiers: MedGen C0472817, MONDO:0023880.
CXCR4-related disorder. Also called: CXCR4-related condition.
WHIM syndrome 1 (WHIMS). Identifiers: Orphanet 51636, MedGen C5542296, MONDO:8000006, OMIM 193670.

Submissions (10):

Labcorp Genetics (formerly Invitae), Labcorp
Classification: Pathogenic for Warts, hypogammaglobulinemia, infections, and myelokathexis. Last evaluated: 2026-01-27. Review status: criteria provided, single submitter. Criteria: Invitae Variant Classification Sherloc (09022015). Collection method: clinical testing. Allele origin: germline.
Comment: This sequence change creates a premature translational stop signal (p.Arg334*) in the CXCR4 gene. While this is not anticipated to result in nonsense mediated decay, it is expected to disrupt the last 19 amino acid(s) of the CXCR4 protein. This variant is not present in population databases (gnomAD no frequency). This premature translational stop signal has been observed in individual(s) with WHIM syndrome (PMID: 12692554, 25662009). It has also been observed to segregate with disease in related individuals. ClinVar contains an entry for this variant (Variation ID: 14020). Algorithms developed to predict the effect of variants on gene product structure and function are not available or were not evaluated for this variant. Experimental studies have shown that this premature translational stop signal affects CXCR4 function (PMID: 12692554, 19956569, 23794067). For these reasons, this variant has been classified as Pathogenic.

3billion
Classification: Pathogenic for WHIM syndrome 1. Last evaluated: 2025-08-14. Review status: criteria provided, single submitter. Criteria: ACMG Guidelines, 2015. Collection method: clinical testing. Allele origin: germline. Affected: yes.
Comment: The variant is not observed in the gnomAD v4.1.0 dataset. Predicted Consequence/Location: Stop-gained (nonsense): predicted to result in a loss or disruption of normal protein function through protein truncation. The predicted truncated protein may be shortened by less than 10% and a dominant negative effect has been reported near truncated region. The variant has been observed in multiple (>3) similarly affected unrelated individuals (PMID: 25662009, 31313072, 31493092). The variant has been reported to co-segregate with the disease in at least 3 similarly affected relatives/individuals in the same family or similarly affected unrelated families (PMID: 25662009). The variant has been reported at least twice as pathogenic with clinical assertions and evidence for the classification (ClinVar ID: VCV000014020 /PMID: 12692554 /3billion dataset). Therefore, this variant is classified as Pathogenic according to the recommendation of ACMG/AMP guideline.

Next Generation Genetic Polyclinic
Classification: Pathogenic for WHIM syndrome 1. Last evaluated: 2025-05-20. Review status: criteria provided, single submitter. Criteria: ACMG Guidelines, 2015. Collection method: curation. Allele origin: germline. Affected: yes. Observed: 1 variant allele.
Comment: The NM_003467.3:c.1000C>T variant in the CXCR4 gene results in a nonsense mutation (p.Arg334Ter), introducing a premature stop codon that truncates the C-terminal tail of the CXCR4 receptor. This truncation impairs receptor desensitization and internalization, leading to prolonged signaling through the CXCL12/CXCR4 axis. The variant is associated with WHIM syndrome (Warts, Hypogammaglobulinemia, Infections, and Myelokathexis), a rare autosomal dominant primary immunodeficiency. Patients typically present with recurrent bacterial infections, neutropenia due to myelokathexis, and susceptibility to HPV and EBV-related malignancies. The pathogenicity is supported by its deleterious molecular consequence, absence from population databases, and consistent clinical correlation with WHIM syndrome.

GeneDx
Classification: Pathogenic. Last evaluated: 2025-03-13. Review status: criteria provided, single submitter. Criteria: GeneDx Variant Classification Process June 2021. Collection method: clinical testing. Allele origin: germline. Affected: yes.
Comment: Reported in multiple individuals in published literature with WHIM syndrome (PMID: 12692554, 30819232, 35947323, 33225392); Published functional studies demonstrate a damaging effect: elevated cell surface expression of CXCR4 and increased CXCL12-induced chemotaxis (PMID: 15536153); Nonsense variant predicted to result in protein truncation, as the last 19 amino acids are lost, and other loss-of-function variants have been reported downstream in HGMD; Not observed at significant frequency in large population cohorts (gnomAD); This variant is associated with the following publications: (PMID: 12692554, 25662009, 21070597, 15781337, 23794067, 19956569, 30819232, Zmajkovicova[poster]2022, 36089616, 28353164, 19476565, 29659363, 16275383, 32506361, 31493092, 34853993, 29974365, 34697698, 33225392, 35753512, 37566756, 35947323, 15536153)

Blueprint Genetics
Classification: Pathogenic for CXCR4-related disorders. Last evaluated: 2023-12-15. Review status: criteria provided, single submitter. Criteria: ACMG Guidelines, 2015. Collection method: clinical testing. Allele origin: germline. Affected: yes. Observed: 3 variant alleles.

Mayo Clinic Laboratories, Mayo Clinic
Classification: Pathogenic. Last evaluated: 2023-09-06. Review status: criteria provided, single submitter. Criteria: ACMG Guidelines, 2015. Collection method: clinical testing. Allele origin: germline.
Comment: PP1_strong, PM1, PM2_moderate, PS3, PS4, PVS1

Fulgent Genetics
Classification: Pathogenic for WHIM syndrome 1. Last evaluated: 2021-09-22. Review status: criteria provided, single submitter. Criteria: ACMG Guidelines, 2015. Collection method: clinical testing. Allele origin: unknown.

Institute of Medical Genetics and Applied Genomics, University Hospital Tübingen
Classification: Pathogenic. Last evaluated: 2021-06-17. Review status: criteria provided, single submitter. Criteria: ACMG Guidelines, 2015. Collection method: clinical testing. Allele origin: germline. Inheritance: Autosomal dominant inheritance. Affected: yes.

Institute of Human Genetics, University of Leipzig Medical Center
Classification: Pathogenic for WHIM syndrome 1. Last evaluated: 2017-11-15. Review status: criteria provided, single submitter. Criteria: ACMG Guidelines, 2015. Collection method: clinical testing. Allele origin: germline. Affected: yes. Observed: 1 variant allele.

OMIM
Classification: Pathogenic for WHIM SYNDROME. Last evaluated: 2003-05-01. Review status: no assertion criteria provided. Collection method: literature only. Allele origin: germline. Not counted in ClinVar's aggregate classification.

Literature cited by the submitters: PubMed 12692554 (cited by 4 submitters); PubMed 25662009 (cited by 3 submitters); PubMed 19956569 (cited by Labcorp Genetics (formerly Invitae), Labcorp and Mayo Clinic Laboratories, Mayo Clinic); PubMed 23794067 (cited by Labcorp Genetics (formerly Invitae), Labcorp and Mayo Clinic Laboratories, Mayo Clinic); PubMed 31493092 (cited by 3billion and Mayo Clinic Laboratories, Mayo Clinic); PubMed 31313072 (cited by 3billion and OMIM); PubMed 15026312 (cited by Mayo Clinic Laboratories, Mayo Clinic); PubMed 15536153 (cited by Mayo Clinic Laboratories, Mayo Clinic); PubMed 16275383 (cited by Mayo Clinic Laboratories, Mayo Clinic); PubMed 17803866 (cited by Mayo Clinic Laboratories, Mayo Clinic); PubMed 19043667 (cited by Mayo Clinic Laboratories, Mayo Clinic); PubMed 19476565 (cited by Mayo Clinic Laboratories, Mayo Clinic); PubMed 20472031 (cited by Mayo Clinic Laboratories, Mayo Clinic); PubMed 20736454 (cited by Mayo Clinic Laboratories, Mayo Clinic); PubMed 21070597 (cited by Mayo Clinic Laboratories, Mayo Clinic); PubMed 22748845 (cited by Mayo Clinic Laboratories, Mayo Clinic); PubMed 23009155 (cited by Mayo Clinic Laboratories, Mayo Clinic and OMIM); PubMed 25571909 (cited by Mayo Clinic Laboratories, Mayo Clinic); PubMed 28353164 (cited by Mayo Clinic Laboratories, Mayo Clinic); PubMed 29659363 (cited by Mayo Clinic Laboratories, Mayo Clinic); PubMed 30819232 (cited by Mayo Clinic Laboratories, Mayo Clinic).

NM_003467.3(CXCR4):c.1000C>T (p.Arg334Ter)

Gene: CXCR4 (C-X-C motif chemokine receptor 4; minus strand). Cytogenetic location: 2q22.1.
Variant type: single nucleotide variant.
Coding change: c.1000C>T on transcript NM_003467.3 (MANE Select); coding-DNA position 1000, C replaced by T.
Protein change: p.Arg334Ter; replaces arginine 334 with a stop codon.
Molecular consequence: nonsense.
Genome position (GRCh38, 1-based): chr2:136,114,928, G>A on the plus strand (C>T on the coding strand, the complement: CXCR4 is on the minus strand). VCF-style: chr2-136114928-G-A. GRCh37 (hg19) VCF-style: chr2-136872498-G-A.
Other names: c.1012C>T, p.Arg338Ter (NM_001008540.2); c.1213C>T, p.Arg405Ter (NM_001348056.2); c.1099C>T, p.Arg367Ter (NM_001348059.2); c.955C>T, p.Arg319Ter (NM_001348060.2); short protein forms R334*, R338*, R367*, R319*, R405*.
Identifiers: ClinVar variation 14020 (VCV000014020.29), dbSNP rs104893624, ClinGen allele CA123711.